The following is an entry in ClinVar:

ClinVar aggregate classification (germline): Conflicting classifications of pathogenicity. Review status: criteria provided, conflicting classifications (1 of 4 stars). 9 submissions from 9 submitters: Uncertain significance (8); Likely benign (1). Last evaluated 2026-04-01.

Conditions:
Hereditary spastic paraplegia 48. Also called: Spastic paraplegia 48; SPASTIC PARAPLEGIA 48, AUTOSOMAL RECESSIVE. Identifiers: Orphanet 306511, MedGen C3150901, MONDO:0013342, OMIM 613647.
Hereditary spastic paraplegia. Also called: Familial spastic paraparesis. Identifiers: Orphanet 685, MedGen C0037773, MONDO:0019064. Disease mechanism: loss of function.

Allele frequency attached by ClinVar (database versions not stated): 1000 Genomes Project 30x 0.00016; ESP Exome Variant Server 0.00073; gnomAD 0.00073; TOPMed 0.00095.
gnomAD v4.1: 2,313 of 1,605,730 alleles (0.14%); highest among the groups gnomAD compares: Non-Finnish European, 0.18%; 2 homozygotes.

Submissions (9):

CeGaT Center for Human Genetics Tuebingen
Classification: Likely benign. Last evaluated: 2026-04-01. Review status: criteria provided, single submitter. Criteria: CeGaT Center For Human Genetics Tuebingen Variant Classification Criteria Version 2. Collection method: clinical testing. Allele origin: germline. Affected: yes. Observed: 4 variant alleles.
Comment: AP5Z1: BS1

GeneDx
Classification: Uncertain significance. Last evaluated: 2025-01-13. Review status: criteria provided, single submitter. Criteria: GeneDx Variant Classification Process June 2021. Collection method: clinical testing. Allele origin: germline.
Comment: In silico analysis supports that this missense variant has a deleterious effect on protein structure/function; Has not been previously published as pathogenic or benign to our knowledge

Mayo Clinic Laboratories, Mayo Clinic
Classification: Uncertain significance. Last evaluated: 2023-02-01. Review status: criteria provided, single submitter. Criteria: ACMG Guidelines, 2015. Collection method: clinical testing. Allele origin: germline. Observed: 5 variant alleles.
Comment: BS1, PP3

Labcorp Genetics (formerly Invitae), Labcorp
Classification: Uncertain significance for Hereditary spastic paraplegia 48. Last evaluated: 2022-08-10. Review status: criteria provided, single submitter. Criteria: Invitae Variant Classification Sherloc (09022015). Collection method: clinical testing. Allele origin: germline.
Comment: This sequence change replaces arginine, which is basic and polar, with glycine, which is neutral and non-polar, at codon 711 of the AP5Z1 protein (p.Arg711Gly). This variant is present in population databases (rs113184057, gnomAD 0.1%), and has an allele count higher than expected for a pathogenic variant. This variant has not been reported in the literature in individuals affected with AP5Z1-related conditions. ClinVar contains an entry for this variant (Variation ID: 478623). Algorithms developed to predict the effect of missense changes on protein structure and function are either unavailable or do not agree on the potential impact of this missense change (SIFT: "Deleterious"; PolyPhen-2: "Probably Damaging"; Align-GVGD: "Class C0"). In summary, the available evidence is currently insufficient to determine the role of this variant in disease. Therefore, it has been classified as a Variant of Uncertain Significance.

Fulgent Genetics
Classification: Uncertain significance for Hereditary spastic paraplegia 48. Last evaluated: 2021-07-16. Review status: criteria provided, single submitter. Criteria: ACMG Guidelines, 2015. Collection method: clinical testing. Allele origin: unknown.

Athena Diagnostics
Classification: Uncertain significance. Last evaluated: 2020-03-20. Review status: criteria provided, single submitter. Criteria: Athena Diagnostics Criteria. Collection method: clinical testing. Allele origin: unknown.

Genome Diagnostics Laboratory, The Hospital for Sick Children
Classification: Uncertain significance for Hereditary spastic paraplegia. Last evaluated: 2018-08-01. Review status: criteria provided, single submitter. Criteria: ACMG Guidelines, 2015. Collection method: clinical testing. Allele origin: germline. Affected: yes.

Illumina Laboratory Services, Illumina
Classification: Uncertain significance for Hereditary spastic paraplegia 48. Last evaluated: 2018-01-12. Review status: criteria provided, single submitter. Criteria: ICSL Variant Classification Criteria 13 December 2019. Collection method: clinical testing. Allele origin: germline.

Breakthrough Genomics
Classification: Uncertain significance. Review status: criteria provided, single submitter. Criteria: ACMG Guidelines, 2015. Collection method: not provided. Allele origin: germline. Inheritance: Autosomal recessive inheritance. Affected: yes.

NM_014855.3(AP5Z1):c.2131C>G (p.Arg711Gly)

Gene: AP5Z1 (adaptor related protein complex 5 subunit zeta 1; plus strand). Cytogenetic location: 7p22.1.
Variant type: single nucleotide variant.
Coding change: c.2131C>G on transcript NM_014855.3 (MANE Select); coding-DNA position 2131, C replaced by G.
Protein change: p.Arg711Gly; replaces arginine 711 with glycine.
Molecular consequence: missense variant. On other transcripts: non-coding transcript variant (1).
Genome position (GRCh38, 1-based): chr7:4,790,865, C>G. VCF-style: chr7-4790865-C-G. GRCh37 (hg19) VCF-style: chr7-4830496-C-G.
Other names: c.1663C>G, p.Arg555Gly (NM_001364858.1); c.2131C>G, p.Arg711Gly (LRG_1247t1); short protein forms R711G, R555G.
Identifiers: ClinVar variation 478623 (VCV000478623.46), dbSNP rs113184057, ClinGen allele CA4138313.